The following is an entry in ClinVar:

ClinVar aggregate classification (germline): Uncertain significance (1 of 4 stars; one submission).

gnomAD v4.1: 2 of 1,535,574 alleles (0.00013%); highest among the groups gnomAD compares: Admixed American, 0.0017%; no homozygotes.

Submission:

Women's Health and Genetics/Laboratory Corporation of America, LabCorp
Classification: Uncertain significance. Last evaluated: 2025-04-02. Review status: criteria provided, single submitter. Criteria: LabCorp Variant Classification Summary - May 2015. Collection method: clinical testing. Allele origin: germline.
Comment: Variant summary: NBAS c.2202+4A>G alters a conserved nucleotide located close to a canonical splice site and therefore could affect mRNA splicing, leading to a significantly altered protein sequence. Several computational tools predict a significant impact on normal splicing: Three predict the variant weakens a 5' donor site. One predict the variant abolishes a 5' splicing donor site. However, these predictions have yet to be confirmed by functional studies. The variant allele was found at a frequency of 4.1e-06 in 245208 control chromosomes (gnomAD). The available data on variant occurrences in the general population are insufficient to allow any conclusion about variant significance. To our knowledge, no occurrence of c.2202+4A>G in individuals affected with Liver Failure Acute Infantile, Type 2 and no experimental evidence demonstrating its impact on protein function have been reported. No submitters have cited clinical-significance assessments for this variant to ClinVar. Based on the evidence outlined above, the variant was classified as uncertain significance.

NM_015909.4(NBAS):c.2202+4A>G

Gene: NBAS (NBAS subunit of NRZ tethering complex; minus strand). Cytogenetic location: 2p24.3.
Variant type: single nucleotide variant.
Coding change: c.2202+4A>G on transcript NM_015909.4 (MANE Select); 4 bases into the intron after coding-DNA position 2202, A replaced by G.
Molecular consequence: intron variant.
Genome position (GRCh38, 1-based): chr2:15,461,683, T>C on the plus strand (A>G on the coding strand, the complement: NBAS is on the minus strand). VCF-style: chr2-15461683-T-C. GRCh37 (hg19) VCF-style: chr2-15601807-T-C.
Identifiers: ClinVar variation 3896555 (VCV003896555.2).